The following is an entry in ClinVar:

NM_000090.4(COL3A1):c.3764G>C (p.Arg1255Pro)

Gene: COL3A1 (collagen type III alpha 1 chain; plus strand). Cytogenetic location: 2q32.2.
Variant type: single nucleotide variant.
Coding change: c.3764G>C on transcript NM_000090.4 (MANE Select); coding-DNA position 3764, G replaced by C.
Protein change: p.Arg1255Pro; replaces arginine 1255 with proline.
Molecular consequence: missense variant.
Genome position (GRCh38, 1-based): chr2:189,009,162, G>C. VCF-style: chr2-189009162-G-C. GRCh37 (hg19) VCF-style: chr2-189873888-G-C.
Other names: short protein forms R1255P.
Identifiers: ClinVar variation 3622212 (VCV003622212.2).

ClinVar aggregate classification (germline): Uncertain significance (1 of 4 stars; one submission).

Conditions:
Ehlers-Danlos syndrome, type 4 (EDSVASC). Also called: Ehlers-Danlos syndrome vascular type; Ehlers Danlos syndrome, ecchymotic type; Ehlers Danlos syndrome, arterial type; Ehlers Danlos syndrome, Sack-Barabas type; Ehlers-Danlos Syndrome Type IV. Identifiers: Orphanet 286, MedGen C0268338, MONDO:0017314, OMIM 130050.

Submission:

Labcorp Genetics (formerly Invitae), Labcorp
Classification: Uncertain significance for Ehlers-Danlos syndrome, type 4. Last evaluated: 2024-07-23. Review status: criteria provided, single submitter. Criteria: Invitae Variant Classification Sherloc (09022015). Collection method: clinical testing. Allele origin: germline.
Comment: This sequence change replaces arginine, which is basic and polar, with proline, which is neutral and non-polar, at codon 1255 of the COL3A1 protein (p.Arg1255Pro). This variant is not present in population databases (gnomAD no frequency). This variant has not been reported in the literature in individuals affected with COL3A1-related conditions. Advanced modeling of protein sequence and biophysical properties (such as structural, functional, and spatial information, amino acid conservation, physicochemical variation, residue mobility, and thermodynamic stability) performed at Invitae indicates that this missense variant is not expected to disrupt COL3A1 protein function with a negative predictive value of 95%. In summary, the available evidence is currently insufficient to determine the role of this variant in disease. Therefore, it has been classified as a Variant of Uncertain Significance.